The following is an entry in ClinVar:

ClinVar aggregate classification (germline): Uncertain significance (1 of 4 stars; one submission).

Conditions:
Epilepsy, familial adult myoclonic, 5 (EPEO5). Also called: CORTICAL MYOCLONIC TREMOR WITH EPILEPSY, FAMILIAL, 5. Identifiers: Orphanet 86814, MedGen C3809374, MONDO:0014167, OMIM 615400.

Submission:

Labcorp Genetics (formerly Invitae), Labcorp
Classification: Uncertain significance for Epilepsy, familial adult myoclonic, 5. Last evaluated: 2022-08-09. Review status: criteria provided, single submitter. Criteria: Invitae Variant Classification Sherloc (09022015). Collection method: clinical testing. Allele origin: germline.
Comment: In summary, the available evidence is currently insufficient to determine the role of this variant in disease. Therefore, it has been classified as a Variant of Uncertain Significance. This sequence change replaces arginine, which is basic and polar, with glycine, which is neutral and non-polar, at codon 506 of the CNTN2 protein (p.Arg506Gly). This variant is not present in population databases (gnomAD no frequency). This variant has not been reported in the literature in individuals affected with CNTN2-related conditions. Advanced modeling of protein sequence and biophysical properties (such as structural, functional, and spatial information, amino acid conservation, physicochemical variation, residue mobility, and thermodynamic stability) performed at Invitae indicates that this missense variant is not expected to disrupt CNTN2 protein function.

NM_005076.5(CNTN2):c.1516C>G (p.Arg506Gly)

Gene: CNTN2 (contactin 2; plus strand). Cytogenetic location: 1q32.1.
Variant type: single nucleotide variant.
Coding change: c.1516C>G on transcript NM_005076.5 (MANE Select); coding-DNA position 1516, C replaced by G.
Protein change: p.Arg506Gly; replaces arginine 506 with glycine.
Molecular consequence: missense variant. On other transcripts: non-coding transcript variant (1).
Genome position (GRCh38, 1-based): chr1:205,064,747, C>G. VCF-style: chr1-205064747-C-G. GRCh37 (hg19) VCF-style: chr1-205033875-C-G.
Other names: c.1516C>G, p.Arg506Gly (NM_001346083.2); short protein forms R506G.
Identifiers: ClinVar variation 2082384 (VCV002082384.4), dbSNP rs114903768, ClinGen allele CA344375258.